The following is an entry in ClinVar:

ClinVar aggregate classification (germline): Uncertain significance (1 of 4 stars; one submission).

Allele frequency attached by ClinVar (database versions not stated): gnomAD exomes below 0.00001.
gnomAD v4.1: 1 of 1,613,938 alleles (0.000062%); highest among the groups gnomAD compares: Non-Finnish European, 0.000085%; no homozygotes.

Submission:

CeGaT Center for Human Genetics Tuebingen
Classification: Uncertain significance. Last evaluated: 2022-07-01. Review status: criteria provided, single submitter. Criteria: CeGaT Center For Human Genetics Tuebingen Variant Classification Criteria Version 2. Collection method: clinical testing. Allele origin: germline. Affected: yes. Observed: 1 variant allele.
Comment: ATM: PM2, BP4

NM_000051.4(ATM):c.1699A>C (p.Asn567His)

Gene: ATM (ATM serine/threonine kinase; plus strand). Cytogenetic location: 11q22.3.
Variant type: single nucleotide variant.
Coding change: c.1699A>C on transcript NM_000051.4 (MANE Select); coding-DNA position 1699, A replaced by C.
Protein change: p.Asn567His; replaces asparagine 567 with histidine.
Molecular consequence: missense variant.
Genome position (GRCh38, 1-based): chr11:108,251,928, A>C. VCF-style: chr11-108251928-A-C. GRCh37 (hg19) VCF-style: chr11-108122655-A-C.
Other names: c.1699A>C, p.Asn567His (NM_001351834.2); short protein forms N567H.
Identifiers: ClinVar variation 2642356 (VCV002642356.24), dbSNP rs2135341638, ClinGen allele CA382535234.